The following is an entry in ClinVar:

NM_001039213.4(CEACAM16):c.802G>A (p.Gly268Arg)

Genes: CEACAM16 (CEA cell adhesion molecule 16, tectorial membrane component; plus strand), CEACAM16-AS1 (CEACAM16, CEACAM19 and PVR antisense RNA 1; minus strand). Cytogenetic location: 19q13.32.
Variant type: single nucleotide variant.
Coding change: c.802G>A on transcript NM_001039213.4 (MANE Select); coding-DNA position 802, G replaced by A.
Protein change: p.Gly268Arg; replaces glycine 268 with arginine.
Molecular consequence: missense variant.
Genome position (GRCh38, 1-based): chr19:44,705,730, G>A. VCF-style: chr19-44705730-G-A. GRCh37 (hg19) VCF-style: chr19-45209000-G-A.
Other names: short protein forms G268R.
Identifiers: ClinVar variation 3711463 (VCV003711463.2).
Genomic context (GRCh38, chr19:44,705,730, plus strand): 5'-CTCACCCTGTGGTGCGTGTCCAGGTCCTGCCCAGAGCCCGAGTATGTGTGGACCTTCAAC[G>A]GGCAGGCCCTAAAGAACGGCCAAGACCACCTCAACATCAGCAGCATGACAGCCGCCCAGG-3'
Protein context (NP_001034302.2, residues 258-278): PEPEYVWTFN[Gly268Arg]QALKNGQDHL

ClinVar aggregate classification (germline): Uncertain significance (1 of 4 stars; one submission).

gnomAD v4.1: 22 of 1,613,864 alleles (0.0014%); highest among the groups gnomAD compares: Admixed American, 0.013%; no homozygotes.

Submission:

Labcorp Genetics (formerly Invitae), Labcorp
Classification: Uncertain significance. Last evaluated: 2025-12-23. Review status: criteria provided, single submitter. Criteria: Invitae Variant Classification Sherloc (09022015). Collection method: clinical testing. Allele origin: germline.
Comment: This sequence change replaces glycine, which is neutral and non-polar, with arginine, which is basic and polar, at codon 268 of the CEACAM16 protein (p.Gly268Arg). This variant is present in population databases (rs758738520, gnomAD 0.01%). This variant has not been reported in the literature in individuals affected with CEACAM16-related conditions. ClinVar contains an entry for this variant (Variation ID: 3711463). Invitae Evidence Modeling of protein sequence and biophysical properties (such as structural, functional, and spatial information, amino acid conservation, physicochemical variation, residue mobility, and thermodynamic stability) indicates that this missense variant is not expected to disrupt CEACAM16 protein function with a negative predictive value of 80%. In summary, the available evidence is currently insufficient to determine the role of this variant in disease. Therefore, it has been classified as a Variant of Uncertain Significance.